The following is an entry in ClinVar:

ClinVar aggregate classification (germline): Uncertain significance (1 of 4 stars; one submission).

Submission:

Labcorp Genetics (formerly Invitae), Labcorp
Classification: Uncertain significance. Last evaluated: 2024-01-30. Review status: criteria provided, single submitter. Criteria: Invitae Variant Classification Sherloc (09022015). Collection method: clinical testing. Allele origin: germline.
Comment: This sequence change falls in intron 38 of the POLE gene. It does not directly change the encoded amino acid sequence of the POLE protein. It affects a nucleotide within the consensus splice site. This variant is not present in population databases (gnomAD no frequency). This variant has not been reported in the literature in individuals affected with POLE-related conditions. ClinVar contains an entry for this variant (Variation ID: 862738). Variants that disrupt the consensus splice site are a relatively common cause of aberrant splicing (PMID: 17576681, 9536098). Algorithms developed to predict the effect of sequence changes on RNA splicing suggest that this variant is not likely to affect RNA splicing. In summary, the available evidence is currently insufficient to determine the role of this variant in disease. Therefore, it has been classified as a Variant of Uncertain Significance.

Literature cited by the submitters: PubMed 17576681; PubMed 9536098.

NM_006231.4(POLE):c.5173+6T>A

Gene: POLE (DNA polymerase epsilon, catalytic subunit; minus strand). Cytogenetic location: 12q24.33.
Variant type: single nucleotide variant.
Coding change: c.5173+6T>A on transcript NM_006231.4 (MANE Select); 6 bases into the intron after coding-DNA position 5173, T replaced by A.
Molecular consequence: intron variant.
Genome position (GRCh38, 1-based): chr12:132,642,171, A>T on the plus strand (T>A on the coding strand, the complement: POLE is on the minus strand). VCF-style: chr12-132642171-A-T. GRCh37 (hg19) VCF-style: chr12-133218757-A-T.
Identifiers: ClinVar variation 862738 (VCV000862738.7), dbSNP rs2042159740, ClinGen allele CA916082380.